The following is an entry in ClinVar:

ClinVar aggregate classification (germline): Uncertain significance (1 of 4 stars; one submission).

Submission:

CeGaT Center for Human Genetics Tuebingen
Classification: Uncertain significance. Last evaluated: 2024-01-01. Review status: criteria provided, single submitter. Criteria: CeGaT Center For Human Genetics Tuebingen Variant Classification Criteria Version 2. Collection method: clinical testing. Allele origin: germline. Affected: yes. Observed: 1 variant allele.
Comment: GRIA3: PM2

NM_007325.5(GRIA3):c.940A>G (p.Ile314Val)

Gene: GRIA3 (glutamate ionotropic receptor AMPA type subunit 3; plus strand). Cytogenetic location: Xq25.
Variant type: single nucleotide variant.
Coding change: c.940A>G on transcript NM_007325.5 (MANE Select); coding-DNA position 940, A replaced by G.
Protein change: p.Ile314Val; replaces isoleucine 314 with valine.
Molecular consequence: missense variant.
Genome position (GRCh38, 1-based): chrX:123,398,663, A>G. VCF-style: chrX-123398663-A-G. GRCh37 (hg19) VCF-style: chrX-122532514-A-G.
Other names: c.940A>G, p.Ile314Val (NM_000828.5); short protein forms I314V.
Identifiers: ClinVar variation 3026858 (VCV003026858.22), dbSNP rs2521156076, ClinGen allele CA414258048.